The following is an entry in ClinVar:

NM_030962.4(SBF2):c.1167+74C>T

Gene: SBF2 (SET binding factor 2; minus strand). Cytogenetic location: 11p15.4.
Variant type: single nucleotide variant.
Coding change: c.1167+74C>T on transcript NM_030962.4 (MANE Select); 74 bases into the intron after coding-DNA position 1167, C replaced by T.
Molecular consequence: intron variant.
Genome position (GRCh38, 1-based): chr11:9,992,916, G>A on the plus strand (C>T on the coding strand, the complement: SBF2 is on the minus strand). VCF-style: chr11-9992916-G-A. GRCh37 (hg19) VCF-style: chr11-10014463-G-A.
Other names: c.1167+74C>T (NM_001386342.1, NM_001386339.1).
Identifiers: ClinVar variation 674134 (VCV000674134.2), dbSNP rs78399419, ClinGen allele CA217649896.

ClinVar aggregate classification (germline): Benign. Review status: criteria provided, multiple submitters, no conflicts (2 of 4 stars). 2 submissions from 2 submitters: Benign (2). Last evaluated 2018-06-14.

Allele frequency attached by ClinVar (database versions not stated): 1000 Genomes Project 30x 0.02030; 1000 Genomes Project 0.02037; TOPMed 0.04447; gnomAD 0.05025 and 0.05228.
gnomAD v4.1: 64,828 of 1,091,860 alleles (5.9%); highest among the groups gnomAD compares: Non-Finnish European, 7.2%; 2,340 homozygotes.

Submissions (2):

GeneDx
Classification: Benign. Last evaluated: 2018-06-14. Review status: criteria provided, single submitter. Criteria: GeneDx Variant Classification (06012015). Collection method: clinical testing. Allele origin: germline. Affected: yes.
Comment: This variant is considered likely benign or benign based on one or more of the following criteria: it is a conservative change, it occurs at a poorly conserved position in the protein, it is predicted to be benign by multiple in silico algorithms, and/or has population frequency not consistent with disease.

Breakthrough Genomics
Classification: Benign. Review status: criteria provided, single submitter. Criteria: ACMG Guidelines, 2015. Collection method: not provided. Allele origin: germline. Inheritance: Autosomal recessive inheritance. Affected: yes.